The following is an entry in ClinVar:

NM_000465.4(BARD1):c.2241A>G (p.Pro747=)

Gene: BARD1 (BRCA1 associated RING domain 1; minus strand). Cytogenetic location: 2q35.
Variant type: single nucleotide variant.
Coding change: c.2241A>G on transcript NM_000465.4 (MANE Select); coding-DNA position 2241, A replaced by G.
Protein change: p.Pro747=; no amino-acid change (proline 747 retained).
Molecular consequence: synonymous variant. On other transcripts: non-coding transcript variant (3).
Genome position (GRCh38, 1-based): chr2:214,728,769, T>C on the plus strand (A>G on the coding strand, the complement: BARD1 is on the minus strand). VCF-style: chr2-214728769-T-C. GRCh37 (hg19) VCF-style: chr2-215593493-T-C.
Other names: c.2241A>G (NM_000465.2); c.2184A>G, p.Pro728= (NM_001282543.2); c.888A>G, p.Pro296= (NM_001282545.2); c.831A>G, p.Pro277= (NM_001282548.2); c.702A>G, p.Pro234= (NM_001282549.2).
Identifiers: ClinVar variation 2784010 (VCV002784010.5), dbSNP rs2469268432, ClinGen allele CA431392622.

ClinVar aggregate classification (germline): Benign/Likely benign. Review status: criteria provided, multiple submitters, no conflicts (2 of 4 stars). 3 submissions from 3 submitters: Benign (1); Likely benign (2). Last evaluated 2024-11-05.

Conditions:
Hereditary cancer-predisposing syndrome. Also called: Hereditary neoplastic syndrome; Neoplastic Syndromes, Hereditary; Tumor predisposition; Hereditary Cancer Syndrome. Identifiers: Orphanet 140162, MedGen C0027672, MeSH D009386, MONDO:0015356.
Familial cancer of breast. Also called: Hereditary breast cancer; BREAST CANCER, FAMILIAL; hereditary breast carcinoma. Identifiers: Orphanet 227535, MedGen C0346153, MONDO:0016419, OMIM 114480. Disease mechanism: loss of function.

Submissions (3):

Ambry Genetics
Classification: Likely benign for Hereditary cancer-predisposing syndrome. Last evaluated: 2024-11-05. Review status: criteria provided, single submitter. Criteria: Ambry Variant Classification Scheme 2023. Collection method: clinical testing. Allele origin: germline.

Myriad Genetics, Inc.
Classification: Benign for Familial cancer of breast. Last evaluated: 2024-07-30. Review status: criteria provided, single submitter. Criteria: Myriad Autosomal Dominant, Autosomal Recessive and X-Linked Classification Criteria (2023). Collection method: clinical testing. Allele origin: unknown.
Comment: This variant is considered benign. This variant is a silent/synonymous amino acid change and it is not expected to impact splicing.

Labcorp Genetics (formerly Invitae), Labcorp
Classification: Likely benign for Familial cancer of breast. Last evaluated: 2024-05-28. Review status: criteria provided, single submitter. Criteria: Invitae Variant Classification Sherloc (09022015). Collection method: clinical testing. Allele origin: germline.